The following is an entry in ClinVar:

ClinVar aggregate classification (germline): Uncertain significance (1 of 4 stars; one submission).

Submission:

CeGaT Center for Human Genetics Tuebingen
Classification: Uncertain significance. Last evaluated: 2026-05-01. Review status: criteria provided, single submitter. Criteria: CeGaT Center For Human Genetics Tuebingen Variant Classification Criteria Version 2. Collection method: clinical testing. Allele origin: germline. Affected: yes. Observed: 1 variant allele.
Comment: SCN2A: PM2, PM1:Supporting, PP2

NM_001040142.2(SCN2A):c.2978C>T (p.Ala993Val)

Gene: SCN2A (sodium voltage-gated channel alpha subunit 2; plus strand). Cytogenetic location: 2q24.3.
Variant type: single nucleotide variant.
Coding change: c.2978C>T on transcript NM_001040142.2 (MANE Select); coding-DNA position 2978, C replaced by T.
Protein change: p.Ala993Val; replaces alanine 993 with valine.
Molecular consequence: missense variant.
Genome position (GRCh38, 1-based): chr2:165,354,250, C>T. VCF-style: chr2-165354250-C-T. GRCh37 (hg19) VCF-style: chr2-166210760-C-T.
Other names: c.2978C>T, p.Ala993Val (NM_001040143.2, NM_001371246.1, NM_001371247.1 and 1 more transcripts); short protein forms A993V.
Identifiers: ClinVar variation 4874796 (VCV004874796.2).